The following is an entry in ClinVar:

ClinVar aggregate classification (germline): Uncertain significance (1 of 4 stars; one submission).

Allele frequency attached by ClinVar (database versions not stated): ExAC 0.00001; gnomAD exomes 0.00002.
gnomAD v4.1: 26 of 1,614,206 alleles (0.0016%); highest among the groups gnomAD compares: Non-Finnish European, 0.0022%; no homozygotes.

Submission:

Labcorp Genetics (formerly Invitae), Labcorp
Classification: Uncertain significance. Last evaluated: 2023-02-09. Review status: criteria provided, single submitter. Criteria: Invitae Variant Classification Sherloc (09022015). Collection method: clinical testing. Allele origin: germline.
Comment: In summary, the available evidence is currently insufficient to determine the role of this variant in disease. Therefore, it has been classified as a Variant of Uncertain Significance. Algorithms developed to predict the effect of missense changes on protein structure and function output the following: SIFT: "Tolerated"; PolyPhen-2: "Benign"; Align-GVGD: "Class C0". The arginine amino acid residue is found in multiple mammalian species, which suggests that this missense change does not adversely affect protein function. This variant has not been reported in the literature in individuals affected with CARD8-related conditions. This variant is present in population databases (rs764409113, gnomAD 0.002%). This sequence change replaces lysine, which is basic and polar, with arginine, which is basic and polar, at codon 448 of the CARD8 protein (p.Lys448Arg).

NM_001184900.3(CARD8):c.1493A>G (p.Lys498Arg)

Gene: CARD8 (caspase recruitment domain family member 8; minus strand). Cytogenetic location: 19q13.33.
Variant type: single nucleotide variant.
Coding change: c.1493A>G on transcript NM_001184900.3 (MANE Select); coding-DNA position 1493, A replaced by G.
Protein change: p.Lys498Arg; replaces lysine 498 with arginine.
Molecular consequence: missense variant. On other transcripts: 3 prime UTR variant (7), non-coding transcript variant (3), intron variant (1).
Genome position (GRCh38, 1-based): chr19:48,211,831, T>C on the plus strand (A>G on the coding strand, the complement: CARD8 is on the minus strand). VCF-style: chr19-48211831-T-C. GRCh37 (hg19) VCF-style: chr19-48715088-T-C.
Other names: c.1343A>G, p.Lys448Arg (NM_001184901.1, NM_001351783.2, NM_014959.5); c.*172A>G (NM_001184902.2, NM_001184903.1, NM_001351788.2 and 4 more transcripts); c.1493A>G, p.Lys498Arg (NM_001351782.2); c.1178A>G, p.Lys393Arg (NM_001351784.2); c.1157A>G, p.Lys386Arg (NM_001351786.2); c.1175A>G, p.Lys392Arg (NM_001365950.1); c.668A>G, p.Lys223Arg (NM_001426741.1); c.1033+3509A>G (NM_001351787.2); short protein forms K393R, K386R, K392R, K223R, K498R, K448R.
Identifiers: ClinVar variation 2867756 (VCV002867756.3), dbSNP rs764409113, ClinGen allele CA9547680.